The following is an entry in ClinVar:

ClinVar aggregate classification (germline): Benign/Likely benign. Review status: criteria provided, multiple submitters, no conflicts (2 of 4 stars). 3 submissions from 3 submitters: Benign (1); Likely benign (1). 1 of the submissions does not count toward it. Last evaluated 2025-11-09.

Conditions:
PACS2-related disorder. Also called: PACS2-related condition.

Allele frequency attached by ClinVar (database versions not stated): ESP Exome Variant Server 0.00023; ExAC 0.00025; 1000 Genomes Project 30x 0.00031; gnomAD 0.00035 and 0.00037; 1000 Genomes Project 0.00040; TOPMed 0.00046.
gnomAD v4.1: 231 of 1,610,066 alleles (0.014%); highest among the groups gnomAD compares: African/African-American, 0.12%; no homozygotes.

Submissions (3):

Labcorp Genetics (formerly Invitae), Labcorp
Classification: Benign. Last evaluated: 2025-11-09. Review status: criteria provided, single submitter. Criteria: Invitae Variant Classification Sherloc (09022015). Collection method: clinical testing. Allele origin: germline.

Blueprint Genetics
Classification: Likely benign. Last evaluated: 2021-12-08. Review status: criteria provided, single submitter. Criteria: ACMG Guidelines, 2015. Collection method: clinical testing. Allele origin: germline.

PreventionGenetics, part of Exact Sciences
Classification: Likely benign for PACS2-related condition. Last evaluated: 2019-10-28. Review status: no assertion criteria provided. Collection method: clinical testing. Allele origin: germline. Not counted in ClinVar's aggregate classification.
Comment: This variant is classified as likely benign based on ACMG/AMP sequence variant interpretation guidelines (Richards et al. 2015 PMID: 25741868, with internal and published modifications).

NM_001100913.3(PACS2):c.2136G>A (p.Ala712=)

Gene: PACS2 (phosphofurin acidic cluster sorting protein 2; plus strand). Cytogenetic location: 14q32.33.
Variant type: single nucleotide variant.
Coding change: c.2136G>A on transcript NM_001100913.3 (MANE Select); coding-DNA position 2136, G replaced by A.
Protein change: p.Ala712=; no amino-acid change (alanine 712 retained).
Molecular consequence: synonymous variant.
Genome position (GRCh38, 1-based): chr14:105,391,647, G>A. VCF-style: chr14-105391647-G-A. GRCh37 (hg19) VCF-style: chr14-105857984-G-A.
Other names: c.1866G>A, p.Ala622= (NM_001243127.3); c.2091G>A, p.Ala697= (NM_015197.4); c.2136G>A (NM_001100913.2).
Identifiers: ClinVar variation 1631603 (VCV001631603.11), dbSNP rs145076845, ClinGen allele CA7389169.
Genomic context (GRCh38, chr14:105,391,647, plus strand): 5'-GAGCAGCAGGTGGGCTCAGCCTGCCCTGTGACTCCTCCCCAAAGGCGACTCGGACGACGC[G>A]GCCCCCTCGGGCTCTGGCACGCTCTCCTCCACCCCGCCGTCCGCATCTCCTGCGGCCAAG-3'
Protein context (NP_001094383.2, residues 702-722): SSATSGDSDD[Ala712=]APSGSGTLSS